The following is an entry in ClinVar:

NM_001372.4(DNAH9):c.9761T>G (p.Phe3254Cys)

Gene: DNAH9 (dynein axonemal heavy chain 9; plus strand). Cytogenetic location: 17p12.
Variant type: single nucleotide variant.
Coding change: c.9761T>G on transcript NM_001372.4 (MANE Select); coding-DNA position 9761, T replaced by G.
Protein change: p.Phe3254Cys; replaces phenylalanine 3254 with cysteine.
Molecular consequence: missense variant.
Genome position (GRCh38, 1-based): chr17:11,854,256, T>G. VCF-style: chr17-11854256-T-G. GRCh37 (hg19) VCF-style: chr17-11757573-T-G.
Other names: c.9761T>G (NM_001372.3); short protein forms F3254C.
Identifiers: ClinVar variation 1549238 (VCV001549238.14), dbSNP rs144523571, ClinGen allele CA8397303.

ClinVar aggregate classification (germline): Conflicting classifications of pathogenicity. Review status: criteria provided, conflicting classifications (1 of 4 stars). 5 submissions from 5 submitters: Uncertain significance (2); Likely benign (2). 1 of the submissions does not count toward it. Last evaluated 2026-01-07.

Conditions:
Inborn genetic diseases. Identifiers: MedGen C0950123, MeSH D030342.
DNAH9-related disorder. Also called: DNAH9-related condition.

Allele frequency attached by ClinVar (database versions not stated): gnomAD 0.00093 and 0.00106; TOPMed 0.00104; ESP Exome Variant Server 0.00108.
gnomAD v4.1: 258 of 1,614,036 alleles (0.016%); highest among the groups gnomAD compares: African/African-American, 0.31%; no homozygotes.

Submissions (5):

Labcorp Genetics (formerly Invitae), Labcorp
Classification: Likely benign. Last evaluated: 2026-01-07. Review status: criteria provided, single submitter. Criteria: Invitae Variant Classification Sherloc (09022015). Collection method: clinical testing. Allele origin: germline.

Ambry Genetics
Classification: Uncertain significance for Inborn genetic diseases. Last evaluated: 2025-06-07. Review status: criteria provided, single submitter. Criteria: Ambry Variant Classification Scheme 2023. Collection method: clinical testing. Allele origin: germline.

Blueprint Genetics
Classification: Uncertain significance. Last evaluated: 2023-10-04. Review status: criteria provided, single submitter. Criteria: ACMG Guidelines, 2015. Collection method: clinical testing. Allele origin: germline.

Breakthrough Genomics
Classification: Likely benign. Review status: criteria provided, single submitter. Criteria: ACMG Guidelines, 2015. Collection method: not provided. Allele origin: germline. Inheritance: Autosomal recessive inheritance. Affected: yes.

PreventionGenetics, part of Exact Sciences
Classification: Likely benign for DNAH9-related condition. Last evaluated: 2022-07-11. Review status: no assertion criteria provided. Collection method: clinical testing. Allele origin: germline. Not counted in ClinVar's aggregate classification.
Comment: This variant is classified as likely benign based on ACMG/AMP sequence variant interpretation guidelines (Richards et al. 2015 PMID: 25741868, with internal and published modifications).